The following is an entry in ClinVar:

NM_198578.4(LRRK2):c.4417C>T (p.Leu1473Phe)

Gene: LRRK2 (leucine rich repeat kinase 2; plus strand). Cytogenetic location: 12q12.
Variant type: single nucleotide variant.
Coding change: c.4417C>T on transcript NM_198578.4 (MANE Select); coding-DNA position 4417, C replaced by T.
Protein change: p.Leu1473Phe; replaces leucine 1473 with phenylalanine.
Molecular consequence: missense variant.
Genome position (GRCh38, 1-based): chr12:40,310,530, C>T. VCF-style: chr12-40310530-C-T. GRCh37 (hg19) VCF-style: chr12-40704332-C-T.
Other names: short protein forms L1473F.
Identifiers: ClinVar variation 533774 (VCV000533774.10), dbSNP rs1555187766, ClinGen allele CA384418465.

ClinVar aggregate classification (germline): Uncertain significance. Review status: criteria provided, multiple submitters, no conflicts (2 of 4 stars). 2 submissions from 2 submitters: Uncertain significance (2). Last evaluated 2020-10-19.

Conditions:
Autosomal dominant Parkinson disease 8. Also called: LRRK2-Related Parkinson Disease; Parkinson disease 8; Parkinson disease 8, susceptibility to. Identifiers: Orphanet 411602, MedGen C1846862, MONDO:0011764, OMIM 607060.

Allele frequency attached by ClinVar (database versions not stated): gnomAD exomes below 0.00001.
gnomAD v4.1: 2 of 1,612,578 alleles (0.00012%); highest among the groups gnomAD compares: Non-Finnish European, 0.00017%; no homozygotes.

Submissions (2):

GeneDx
Classification: Uncertain significance. Last evaluated: 2020-10-19. Review status: criteria provided, single submitter. Criteria: GeneDx Variant Classification Process June 2021. Collection method: clinical testing. Allele origin: germline. Affected: yes.
Comment: Not observed in large population cohorts (Lek et al., 2016); In silico analysis supports that this missense variant does not alter protein structure/function; Has not been previously published as pathogenic or benign to our knowledge

Labcorp Genetics (formerly Invitae), Labcorp
Classification: Uncertain significance for Autosomal dominant Parkinson disease 8. Last evaluated: 2017-10-17. Review status: criteria provided, single submitter. Criteria: Invitae Variant Classification Sherloc (09022015). Collection method: clinical testing. Allele origin: germline.
Comment: This variant is not present in population databases (ExAC no frequency). This sequence change replaces leucine with phenylalanine at codon 1473 of the LRRK2 protein (p.Leu1473Phe). The leucine residue is moderately conserved and there is a small physicochemical difference between leucine and phenylalanine. This variant has not been reported in the literature in individuals with LRRK2-related disease. Algorithms developed to predict the effect of missense changes on protein structure and function do not agree on the potential impact of this missense change (SIFT: "Tolerated"; PolyPhen-2: "Probably Damaging"; Align-GVGD: "Class C0"). In summary, the available evidence is currently insufficient to determine the role of this variant in disease. Therefore, it has been classified as a Variant of Uncertain Significance.